The following is an entry in ClinVar:

ClinVar aggregate classification (germline): Uncertain significance. Review status: criteria provided, multiple submitters, no conflicts (2 of 4 stars). 3 submissions from 3 submitters: Uncertain significance (3). Last evaluated 2025-04-30.

Conditions:
Hereditary cancer-predisposing syndrome. Also called: Hereditary Cancer Syndrome; Tumor predisposition; Neoplastic Syndromes, Hereditary; Hereditary neoplastic syndrome. Identifiers: Orphanet 140162, MedGen C0027672, MeSH D009386, MONDO:0015356.
Gastrointestinal stromal tumor. Also called: Gastrointestinal stromal tumor, somatic; Gastrointestinal stroma tumor. Identifiers: Orphanet 44890, MedGen C0238198, MeSH D046152, MONDO:0011719, OMIM 606764, HP:0100723.

gnomAD v4.1: 1 of 1,614,126 alleles (0.000062%); highest among the groups gnomAD compares: Admixed American, 0.0017%; no homozygotes.

Submissions (3):

Labcorp Genetics (formerly Invitae), Labcorp
Classification: Uncertain significance for Gastrointestinal stromal tumor. Last evaluated: 2025-04-30. Review status: criteria provided, single submitter. Criteria: Invitae Variant Classification Sherloc (09022015). Collection method: clinical testing. Allele origin: germline.
Comment: This sequence change replaces proline, which is neutral and non-polar, with leucine, which is neutral and non-polar, at codon 969 of the KIT protein (p.Pro969Leu). This variant is not present in population databases (gnomAD no frequency). This variant has not been reported in the literature in individuals affected with KIT-related conditions. ClinVar contains an entry for this variant (Variation ID: 580494). An algorithm developed to predict the effect of missense changes on protein structure and function (PolyPhen-2) suggests that this variant is likely to be disruptive. In summary, the available evidence is currently insufficient to determine the role of this variant in disease. Therefore, it has been classified as a Variant of Uncertain Significance.

Baylor Genetics
Classification: Uncertain significance for Gastrointestinal stromal tumor. Last evaluated: 2024-01-24. Review status: criteria provided, single submitter. Criteria: ACMG Guidelines, 2015. Collection method: clinical testing. Allele origin: unknown.

Ambry Genetics
Classification: Uncertain significance for Hereditary cancer-predisposing syndrome. Last evaluated: 2023-02-20. Review status: criteria provided, single submitter. Criteria: Ambry Variant Classification Scheme 2023. Collection method: clinical testing. Allele origin: germline.
Comment: The p.P969L variant (also known as c.2906C>T), located in coding exon 21 of the KIT gene, results from a C to T substitution at nucleotide position 2906. The proline at codon 969 is replaced by leucine, an amino acid with similar properties. This amino acid position is highly conserved in available vertebrate species. In addition, the in silico prediction for this alteration is inconclusive. Since supporting evidence is limited at this time, the clinical significance of this alteration remains unclear.

NM_000222.3(KIT):c.2906C>T (p.Pro969Leu)

Gene: KIT (KIT proto-oncogene, receptor tyrosine kinase; plus strand). Cytogenetic location: 4q12.
Variant type: single nucleotide variant.
Coding change: c.2906C>T on transcript NM_000222.3 (MANE Select); coding-DNA position 2906, C replaced by T.
Protein change: p.Pro969Leu; replaces proline 969 with leucine.
Molecular consequence: missense variant.
Genome position (GRCh38, 1-based): chr4:54,738,532, C>T. VCF-style: chr4-54738532-C-T. GRCh37 (hg19) VCF-style: chr4-55604698-C-T.
Other names: c.2894C>T, p.Pro965Leu (NM_001093772.2, NM_001385292.1); c.2909C>T, p.Pro970Leu (NM_001385284.1); c.2903C>T, p.Pro968Leu (NM_001385285.1); c.2891C>T, p.Pro964Leu (NM_001385286.1); c.2897C>T, p.Pro966Leu (NM_001385288.1); c.2906C>T, p.Pro969Leu (NM_001385290.1); short protein forms P969L, P965L, P964L, P966L, P968L, P970L.
Identifiers: ClinVar variation 580494 (VCV000580494.11), dbSNP rs1560426544, ClinGen allele CA356916550.